The following is an entry in ClinVar:

NM_000334.4(SCN4A):c.1845+4G>A

Gene: SCN4A (sodium voltage-gated channel alpha subunit 4; minus strand). Cytogenetic location: 17q23.3.
Variant type: single nucleotide variant.
Coding change: c.1845+4G>A on transcript NM_000334.4 (MANE Select); 4 bases into the intron after coding-DNA position 1845, G replaced by A.
Molecular consequence: intron variant.
Genome position (GRCh38, 1-based): chr17:63,961,189, C>T on the plus strand (G>A on the coding strand, the complement: SCN4A is on the minus strand). VCF-style: chr17-63961189-C-T. GRCh37 (hg19) VCF-style: chr17-62038549-C-T.
Identifiers: ClinVar variation 944856 (VCV000944856.10), dbSNP rs1909240035, ClinGen allele CA627150410.

ClinVar aggregate classification (germline): Uncertain significance (1 of 4 stars; one submission).

Conditions:
Hyperkalemic periodic paralysis. Also called: Familial hyperkalemic periodic paralysis; Gamstorp disease. Identifiers: Orphanet 682, MedGen C0238357, MONDO:0008224, OMIM 170500, HP:0007215.

Allele frequency attached by ClinVar (database versions not stated): gnomAD exomes below 0.00001; gnomAD 0.00001.
gnomAD v4.1: 4 of 1,512,306 alleles (0.00026%); highest among the groups gnomAD compares: African/African-American, 0.0028%; no homozygotes.

Submission:

Labcorp Genetics (formerly Invitae), Labcorp
Classification: Uncertain significance for Hyperkalemic periodic paralysis. Last evaluated: 2024-09-27. Review status: criteria provided, single submitter. Criteria: Invitae Variant Classification Sherloc (09022015). Collection method: clinical testing. Allele origin: germline.
Comment: This sequence change falls in intron 11 of the SCN4A gene. It does not directly change the encoded amino acid sequence of the SCN4A protein. It affects a nucleotide within the consensus splice site. The frequency data for this variant in the population databases is considered unreliable, as metrics indicate poor data quality at this position in the gnomAD database. This variant has not been reported in the literature in individuals affected with SCN4A-related conditions. ClinVar contains an entry for this variant (Variation ID: 944856). Variants that disrupt the consensus splice site are a relatively common cause of aberrant splicing (PMID: 17576681, 9536098). Algorithms developed to predict the effect of sequence changes on RNA splicing suggest that this variant is not likely to affect RNA splicing. In summary, the available evidence is currently insufficient to determine the role of this variant in disease. Therefore, it has been classified as a Variant of Uncertain Significance.

Literature cited by the submitters: PubMed 17576681; PubMed 9536098.